The following is an entry in ClinVar:

NM_000540.3(RYR1):c.1993G>T (p.Val665Leu)

Gene: RYR1 (ryanodine receptor 1; plus strand). Cytogenetic location: 19q13.2.
Variant type: single nucleotide variant.
Coding change: c.1993G>T on transcript NM_000540.3 (MANE Select); coding-DNA position 1993, G replaced by T.
Protein change: p.Val665Leu; replaces valine 665 with leucine.
Molecular consequence: missense variant.
Genome position (GRCh38, 1-based): chr19:38,458,118, G>T. VCF-style: chr19-38458118-G-T. GRCh37 (hg19) VCF-style: chr19-38948758-G-T.
Other names: c.1993G>T, p.Val665Leu (NM_001042723.2); short protein forms V665L.
Identifiers: ClinVar variation 1490611 (VCV001490611.8), dbSNP rs2145408589, ClinGen allele CA405695836.

ClinVar aggregate classification (germline): Uncertain significance (1 of 4 stars; one submission).

Conditions:
RYR1-related disorder. Also called: RYR1-related condition; RYR1-related disorders. Identifiers: MedGen CN239331.

gnomAD v4.1: 1 of 1,614,042 alleles (0.000062%); no homozygotes.

Submission:

Labcorp Genetics (formerly Invitae), Labcorp
Classification: Uncertain significance for RYR1-related disorder. Last evaluated: 2021-05-13. Review status: criteria provided, single submitter. Criteria: Invitae Variant Classification Sherloc (09022015). Collection method: clinical testing. Allele origin: germline.
Comment: In summary, the available evidence is currently insufficient to determine the role of this variant in disease. Therefore, it has been classified as a Variant of Uncertain Significance. Advanced modeling of protein sequence and biophysical properties (such as structural, functional, and spatial information, amino acid conservation, physicochemical variation, residue mobility, and thermodynamic stability) performed at Invitae indicates that this missense variant is not expected to disrupt RYR1 protein function. This variant has not been reported in the literature in individuals with RYR1-related conditions. This variant is not present in population databases (ExAC no frequency). This sequence change replaces valine with leucine at codon 665 of the RYR1 protein (p.Val665Leu). The valine residue is moderately conserved and there is a small physicochemical difference between valine and leucine.